The following is an entry in ClinVar:

ClinVar aggregate classification (germline): Uncertain significance (1 of 4 stars; one submission).

Conditions:
Spastic paraplegia. Identifiers: MedGen C0037772, HP:0001258.

Allele frequency attached by ClinVar (database versions not stated): gnomAD exomes below 0.00001 and 0.00001; ExAC 0.00001; gnomAD 0.00001; TOPMed 0.00001.
gnomAD v4.1: 4 of 1,613,698 alleles (0.00025%); highest among the groups gnomAD compares: Middle Eastern, 0.016%; no homozygotes.

Submission:

Labcorp Genetics (formerly Invitae), Labcorp
Classification: Uncertain significance for Spastic paraplegia. Last evaluated: 2021-12-09. Review status: criteria provided, single submitter. Criteria: Invitae Variant Classification Sherloc (09022015). Collection method: clinical testing. Allele origin: germline.
Comment: This sequence change replaces serine, which is neutral and polar, with glycine, which is neutral and non-polar, at codon 3317 of the SACS protein (p.Ser3317Gly). This variant is present in population databases (rs769422067, gnomAD 0.003%). This variant has not been reported in the literature in individuals affected with SACS-related conditions. Advanced modeling of protein sequence and biophysical properties (such as structural, functional, and spatial information, amino acid conservation, physicochemical variation, residue mobility, and thermodynamic stability) performed at Invitae indicates that this missense variant is not expected to disrupt SACS protein function. In summary, the available evidence is currently insufficient to determine the role of this variant in disease. Therefore, it has been classified as a Variant of Uncertain Significance.

NM_014363.6(SACS):c.9949A>G (p.Ser3317Gly)

Gene: SACS (sacsin molecular chaperone; minus strand). Cytogenetic location: 13q12.12.
Variant type: single nucleotide variant.
Coding change: c.9949A>G on transcript NM_014363.6 (MANE Select); coding-DNA position 9949, A replaced by G.
Protein change: p.Ser3317Gly; replaces serine 3317 with glycine.
Molecular consequence: missense variant.
Genome position (GRCh38, 1-based): chr13:23,333,927, T>C on the plus strand (A>G on the coding strand, the complement: SACS is on the minus strand). VCF-style: chr13-23333927-T-C. GRCh37 (hg19) VCF-style: chr13-23908066-T-C.
Other names: c.9508A>G, p.Ser3170Gly (NM_001278055.2); short protein forms S3170G, S3317G.
Identifiers: ClinVar variation 1405855 (VCV001405855.3), dbSNP rs769422067, ClinGen allele CA6910533.